The following is an entry in ClinVar:

NM_017671.5(FERMT1):c.441GAA[3] (p.Lys152del)

Gene: FERMT1 (FERM domain containing kindlin 1; minus strand). Cytogenetic location: 20p12.3.
Variant type: Microsatellite.
Coding change: c.441GAA[3] on transcript NM_017671.5 (MANE Select); three copies in a row of the 3-base unit GAA starting at c.441; the reference has four copies in a row; one copy, 3 bases deleted.
Protein change: p.Lys152del; deletes lysine 152.
Molecular consequence: inframe deletion.
Genome position (GRCh38, 1-based): chr20:6,112,557-6,112,559, TTC deleted on the plus strand (GAA on the coding strand, the reverse complement: FERMT1 is on the minus strand); deleting any 3 consecutive bases within chr20:6,112,557-6,112,570 gives the same sequence; the position shown is the placement nearest the transcript's 3' end. VCF-style (leftmost placement, unchanged base first): chr20-6112556-TTTC-T. GRCh37 (hg19) VCF-style: chr20-6093203-TTTC-T.
Other names: short protein forms K152del.
Identifiers: ClinVar variation 1985215 (VCV001985215.1), dbSNP rs749130431, ClinGen allele CA9758460.

ClinVar aggregate classification (germline): Uncertain significance (1 of 4 stars; one submission).

Submission:

Labcorp Genetics (formerly Invitae), Labcorp
Classification: Uncertain significance. Last evaluated: 2022-04-28. Review status: criteria provided, single submitter. Criteria: Invitae Variant Classification Sherloc (09022015). Collection method: clinical testing. Allele origin: germline.
Comment: This variant, c.450_452del, results in the deletion of 1 amino acid(s) of the FERMT1 protein (p.Lys152del), but otherwise preserves the integrity of the reading frame. The frequency data for this variant in the population databases is considered unreliable, as metrics indicate poor data quality at this position in the gnomAD database. This variant has not been reported in the literature in individuals affected with FERMT1-related conditions. Experimental studies and prediction algorithms are not available or were not evaluated, and the functional significance of this variant is currently unknown. In summary, the available evidence is currently insufficient to determine the role of this variant in disease. Therefore, it has been classified as a Variant of Uncertain Significance.